The following is an entry in ClinVar:

NM_000384.3(APOB):c.12454T>C (p.Tyr4152His)

Gene: APOB (apolipoprotein B; minus strand). Cytogenetic location: 2p24.1.
Variant type: single nucleotide variant.
Coding change: c.12454T>C on transcript NM_000384.3 (MANE Select); coding-DNA position 12454, T replaced by C.
Protein change: p.Tyr4152His; replaces tyrosine 4152 with histidine.
Molecular consequence: missense variant.
Genome position (GRCh38, 1-based): chr2:21,002,968, A>G on the plus strand (T>C on the coding strand, the complement: APOB is on the minus strand). VCF-style: chr2-21002968-A-G. GRCh37 (hg19) VCF-style: chr2-21225840-A-G.
Other names: short protein forms Y4152H.
Identifiers: ClinVar variation 3903227 (VCV003903227.1).

ClinVar aggregate classification (germline): Uncertain significance (1 of 4 stars; one submission).

Submission:

GeneDx
Classification: Uncertain significance. Last evaluated: 2024-12-10. Review status: criteria provided, single submitter. Criteria: GeneDx Variant Classification Process June 2021. Collection method: clinical testing. Allele origin: germline. Affected: yes.
Comment: Not observed at significant frequency in large population cohorts (gnomAD); In silico analysis supports that this missense variant has a deleterious effect on protein structure/function; Has not been previously published as pathogenic or benign to our knowledge